The following is an entry in ClinVar:

NM_004519.4(KCNQ3):c.2T>C (p.Met1Thr)

Gene: KCNQ3 (potassium voltage-gated channel subfamily Q member 3; minus strand). Cytogenetic location: 8q24.22.
Variant type: single nucleotide variant.
Coding change: c.2T>C on transcript NM_004519.4 (MANE Select); coding-DNA position 2, T replaced by C.
Protein change: p.Met1Thr; changes the start codon (methionine 1).
Molecular consequence: missense variant, initiator codon variant.
Genome position (GRCh38, 1-based): chr8:132,480,531, A>G on the plus strand (T>C on the coding strand, the complement: KCNQ3 is on the minus strand). VCF-style: chr8-132480531-A-G. GRCh37 (hg19) VCF-style: chr8-133492778-A-G.
Other names: short protein forms M1T.
Identifiers: ClinVar variation 1059498 (VCV001059498.9), dbSNP rs2130875490, ClinGen allele CA372293094.

ClinVar aggregate classification (germline): Uncertain significance (1 of 4 stars; one submission).

Conditions:
Benign neonatal seizures. Also called: Benign familial neonatal seizures; Benign familial neonatal epilepsy; Convulsions benign familial neonatal dominant form; Autosomal dominant form of benign neonatal seizures; Benign neonatal familial convulsions. Identifiers: Orphanet 1949, MedGen C0220669, MONDO:0016027.

Submission:

Labcorp Genetics (formerly Invitae), Labcorp
Classification: Uncertain significance for Benign neonatal seizures. Last evaluated: 2020-09-03. Review status: criteria provided, single submitter. Criteria: Invitae Variant Classification Sherloc (09022015). Collection method: clinical testing. Allele origin: germline.
Comment: This sequence change affects the initiator methionine of the KCNQ3 mRNA. The next in-frame methionine is located at codon 200. The frequency data for this variant in the population databases is considered unreliable, as metrics indicate insufficient coverage at this position in the ExAC database. This variant has not been reported in the literature in individuals with KCNQ3-related conditions. Experimental studies and prediction algorithms are not available or were not evaluated, and the functional significance of this variant is currently unknown. In summary, the available evidence is currently insufficient to determine the role of this variant in disease. Therefore, it has been classified as a Variant of Uncertain Significance.